The following is an entry in ClinVar:

NM_000059.4(BRCA2):c.7880T>G (p.Ile2627Ser)

Gene: BRCA2 (BRCA2 DNA repair associated; plus strand). Cytogenetic location: 13q13.1.
Variant type: single nucleotide variant.
Coding change: c.7880T>G on transcript NM_000059.4 (MANE Select); coding-DNA position 7880, T replaced by G.
Protein change: p.Ile2627Ser; replaces isoleucine 2627 with serine.
Molecular consequence: missense variant.
Genome position (GRCh38, 1-based): chr13:32,362,597, T>G. VCF-style: chr13-32362597-T-G. GRCh37 (hg19) VCF-style: chr13-32936734-T-G.
Other names: short protein forms I2627S.
Identifiers: ClinVar variation 928795 (VCV000928795.1), dbSNP rs876658736, ClinGen allele CA387747107.

ClinVar aggregate classification (germline): Uncertain significance (1 of 4 stars; one submission).

Submission:

Women's Health and Genetics/Laboratory Corporation of America, LabCorp
Classification: Uncertain significance. Last evaluated: 2019-06-06. Review status: criteria provided, single submitter. Criteria: LabCorp Variant Classification Summary - May 2015. Collection method: clinical testing. Allele origin: germline.
Comment: Variant summary: BRCA2 c.7880T>G (p.Ile2627Ser) results in a non-conservative amino acid change located in the Breast cancer type 2 susceptibility protein, helical domain of the encoded protein sequence. Five of five in-silico tools predict a damaging effect of the variant on protein function. The variant was absent in 251276 control chromosomes (gnomAD). The available data on variant occurrences in the general population are insufficient to allow any conclusion about variant significance. To our knowledge, no occurrence of c.7880T>G in individuals affected with Hereditary Breast and Ovarian Cancer and no experimental evidence demonstrating its impact on protein function have been reported. No clinical diagnostic laboratories have submitted clinical-significance assessments for this variant to ClinVar after 2014. Based on the evidence outlined above, the variant was classified as uncertain significance.